The following is an entry in ClinVar:

NM_025257.3(SLC44A4):c.1858G>A (p.Gly620Ser)

Gene: SLC44A4 (solute carrier family 44 member 4; minus strand). Cytogenetic location: 6p21.33.
Variant type: single nucleotide variant.
Coding change: c.1858G>A on transcript NM_025257.3 (MANE Select); coding-DNA position 1858, G replaced by A.
Protein change: p.Gly620Ser; replaces glycine 620 with serine.
Molecular consequence: missense variant.
Genome position (GRCh38, 1-based): chr6:31,864,884, C>T on the plus strand (G>A on the coding strand, the complement: SLC44A4 is on the minus strand). VCF-style: chr6-31864884-C-T. GRCh37 (hg19) VCF-style: chr6-31832661-C-T.
Other names: c.1732G>A, p.Gly578Ser (NM_001178044.2); c.1630G>A, p.Gly544Ser (NM_001178045.2); short protein forms G544S, G578S, G620S.
Identifiers: ClinVar variation 3631102 (VCV003631102.4).
Genomic context (GRCh38, chr6:31,864,884, plus strand): 5'-GCAGCCAGTAATAGTTGAGGTGGGGGCTCTTAAAGTCTTTACCCAGCCCCGGGATGCGAC[C>T]GGAGAAAAAAAAGAAGGACAGGACCCCTGTGGAATAATTCTGGGGGTTAGTGCTGCACCT-3'
Protein context (NP_079533.2, residues 610-630): VGVLSFFFFS[Gly620Ser]RIPGLGKDFK

ClinVar aggregate classification (germline): Uncertain significance. Review status: criteria provided, multiple submitters, no conflicts (2 of 4 stars). 2 submissions from 2 submitters: Uncertain significance (2). Last evaluated 2025-10-08.

gnomAD v4.1: 36 of 1,613,762 alleles (0.0022%); highest among the groups gnomAD compares: Middle Eastern, 0.033%; no homozygotes.

Submissions (4):

Women's Health and Genetics/Laboratory Corporation of America, LabCorp
Classification: Uncertain significance. Last evaluated: 2025-10-08. Review status: criteria provided, single submitter. Criteria: LabCorp Variant Classification Summary - May 2015. Collection method: clinical testing. Allele origin: germline.
Comment: Variant summary: SLC44A4 c.1858G>A (p.Gly620Ser) results in a non-conservative amino acid change in the encoded protein sequence. Algorithms developed to predict the effect of missense changes on protein structure and function are either unavailable or do not agree on the potential impact of this missense change. The variant allele was found at a frequency of 3.2e-05 in 250822 control chromosomes in the gnomAD database, including 1 homozygotes. The available data on variant occurrences in the general population are insufficient to allow any conclusion about variant significance. To our knowledge, no occurrence of c.1858G>A in individuals affected with SLC44A4-related conditions and no experimental evidence demonstrating its impact on protein function have been reported. ClinVar contains an entry for this variant (Variation ID: 3631102). Based on the evidence outlined above, the variant was classified as uncertain significance.

Labcorp Genetics (formerly Invitae), Labcorp
Classification: Uncertain significance. Last evaluated: 2025-04-13. Review status: criteria provided, single submitter. Criteria: Invitae Variant Classification Sherloc (09022015). Collection method: clinical testing. Allele origin: germline.
Comment: This sequence change replaces glycine, which is neutral and non-polar, with serine, which is neutral and polar, at codon 620 of the SLC44A4 protein (p.Gly620Ser). This variant is present in population databases (rs537907234, gnomAD 0.03%). This variant has not been reported in the literature in individuals affected with SLC44A4-related conditions. ClinVar contains an entry for this variant (Variation ID: 3631102). Invitae Evidence Modeling of protein sequence and biophysical properties (such as structural, functional, and spatial information, amino acid conservation, physicochemical variation, residue mobility, and thermodynamic stability) indicates that this missense variant is not expected to disrupt SLC44A4 protein function with a negative predictive value of 80%. Algorithms developed to predict the effect of sequence changes on RNA splicing suggest that this variant may disrupt the consensus splice site. In summary, the available evidence is currently insufficient to determine the role of this variant in disease. Therefore, it has been classified as a Variant of Uncertain Significance.

Dr. Peter K. Rogan Lab, Western University
No classification provided (evidence only). Condition: Lung cancer. Review status: no classification provided. Collection method: in vitro. Allele origin: not applicable. Functional consequence: retained intron. Not counted in ClinVar's aggregate classification.

Dr. Peter K. Rogan Lab, Western University
No classification provided (evidence only). Condition: Gastric cancer. Review status: no classification provided. Collection method: in vitro. Allele origin: not applicable. Functional consequence: retained intron. Not counted in ClinVar's aggregate classification.